The following is an entry in ClinVar:

NM_024876.4(COQ8B):c.1504C>T (p.Leu502Phe)

Gene: COQ8B (coenzyme Q8B; minus strand). Cytogenetic location: 19q13.2.
Variant type: single nucleotide variant.
Coding change: c.1504C>T on transcript NM_024876.4 (MANE Select); coding-DNA position 1504, C replaced by T.
Protein change: p.Leu502Phe; replaces leucine 502 with phenylalanine.
Molecular consequence: missense variant.
Genome position (GRCh38, 1-based): chr19:40,692,166, G>A on the plus strand (C>T on the coding strand, the complement: COQ8B is on the minus strand). VCF-style: chr19-40692166-G-A. GRCh37 (hg19) VCF-style: chr19-41198071-G-A.
Other names: c.1381C>T, p.Leu461Phe (NM_001142555.3); short protein forms L461F, L502F.
Identifiers: ClinVar variation 2581770 (VCV002581770.1), dbSNP rs953899645, ClinGen allele CA308434831.

ClinVar aggregate classification (germline): Uncertain significance (1 of 4 stars; one submission).

Allele frequency attached by ClinVar (database versions not stated): gnomAD 0.00003; gnomAD exomes 0.00003; TOPMed 0.00003.
gnomAD v4.1: 51 of 1,597,250 alleles (0.0032%); highest among the groups gnomAD compares: Non-Finnish European, 0.0039%; no homozygotes.

Submission:

GeneDx
Classification: Uncertain significance. Last evaluated: 2023-09-01. Review status: criteria provided, single submitter. Criteria: GeneDx Variant Classification Process June 2021. Collection method: clinical testing. Allele origin: germline. Affected: yes.
Comment: Not observed at significant frequency in large population cohorts (gnomAD); In silico analysis supports that this missense variant has a deleterious effect on protein structure/function; Has not been previously published as pathogenic or benign to our knowledge